The following is an entry in ClinVar:

NM_000426.4(LAMA2):c.7055G>T (p.Ser2352Ile)

Gene: LAMA2 (laminin subunit alpha 2; plus strand). Cytogenetic location: 6q22.33.
Variant type: single nucleotide variant.
Coding change: c.7055G>T on transcript NM_000426.4 (MANE Select); coding-DNA position 7055, G replaced by T.
Protein change: p.Ser2352Ile; replaces serine 2352 with isoleucine.
Molecular consequence: missense variant.
Genome position (GRCh38, 1-based): chr6:129,464,352, G>T. VCF-style: chr6-129464352-G-T. GRCh37 (hg19) VCF-style: chr6-129785497-G-T.
Other names: c.7055G>T, p.Ser2352Ile (NM_001079823.2); short protein forms S2352I.
Identifiers: ClinVar variation 3769037 (VCV003769037.3).

ClinVar aggregate classification (germline): Uncertain significance. Review status: criteria provided, multiple submitters, no conflicts (2 of 4 stars). 3 submissions from 3 submitters: Uncertain significance (3). Last evaluated 2025-12-15.

Conditions:
Inborn genetic diseases. Identifiers: MedGen C0950123, MeSH D030342.

gnomAD v4.1: 7 of 1,611,806 alleles (0.00043%); highest among the groups gnomAD compares: African/African-American, 0.0094%; no homozygotes.

Submissions (3):

Ambry Genetics
Classification: Uncertain significance for Inborn genetic diseases. Last evaluated: 2025-12-15. Review status: criteria provided, single submitter. Criteria: Ambry Variant Classification Scheme 2023. Collection method: clinical testing. Allele origin: germline.

Women's Health and Genetics/Laboratory Corporation of America, LabCorp
Classification: Uncertain significance. Last evaluated: 2025-02-14. Review status: criteria provided, single submitter. Criteria: LabCorp Variant Classification Summary - May 2015. Collection method: clinical testing. Allele origin: germline.
Comment: Variant summary: LAMA2 c.7055G>T (p.Ser2352Ile) results in a non-conservative amino acid change located in the Laminin G domain (IPR001791) of the encoded protein sequence. Four of five in-silico tools predict a damaging effect of the variant on protein function. The variant was absent in 250780 control chromosomes (gnomAD). The available data on variant occurrences in the general population are insufficient to allow any conclusion about variant significance. To our knowledge, no occurrence of c.7055G>T in individuals affected with Merosin deficient congenital muscular dystrophy and no experimental evidence demonstrating its impact on protein function have been reported. No submitters have cited clinical-significance assessments for this variant to ClinVar. Based on the evidence outlined above, the variant was classified as uncertain significance.

GeneDx
Classification: Uncertain significance. Last evaluated: 2024-09-30. Review status: criteria provided, single submitter. Criteria: GeneDx Variant Classification Process June 2021. Collection method: clinical testing. Allele origin: germline. Affected: yes.
Comment: Not observed at significant frequency in large population cohorts (gnomAD); In silico analysis supports that this missense variant has a deleterious effect on protein structure/function; Has not been previously published as pathogenic or benign to our knowledge